The following is an entry in ClinVar:

NM_000198.4(HSD3B2):c.280G>T (p.Glu94Ter)

Gene: HSD3B2 (hydroxy-delta-5-steroid dehydrogenase, 3 beta- and steroid delta-isomerase 2; plus strand). Cytogenetic location: 1p12.
Variant type: single nucleotide variant.
Coding change: c.280G>T on transcript NM_000198.4 (MANE Select); coding-DNA position 280, G replaced by T.
Protein change: p.Glu94Ter; replaces glutamic acid 94 with a stop codon.
Molecular consequence: nonsense.
Genome position (GRCh38, 1-based): chr1:119,419,555, G>T. VCF-style: chr1-119419555-G-T. GRCh37 (hg19) VCF-style: chr1-119962178-G-T.
Other names: c.280G>T, p.Glu94Ter (NM_001166120.2); short protein forms E94*.
Identifiers: ClinVar variation 4817896 (VCV004817896.1).

ClinVar aggregate classification (germline): Likely pathogenic (1 of 4 stars; one submission).

Conditions:
3 beta-Hydroxysteroid dehydrogenase deficiency. Also called: 3b-hydroxysteroid dehydrogenase deficiency; ADRENAL HYPERPLASIA, CONGENITAL, DUE TO 3-BETA-HYDROXYSTEROID DEHYDROGENASE 2 DEFICIENCY; Congenital adrenal hyperplasia due to 3-beta-hydroxysteroid dehydrogenase deficiency; 3-BETA-HSD DEFICIENCY; ADRENAL HYPERPLASIA II. Identifiers: Orphanet 90791, MedGen C0342471, MeSH C538236, MONDO:0008727, OMIM 201810. Disease mechanism: loss of function.

Submission:

Natera, Inc.
Classification: Likely pathogenic for 3 beta hydroxysteroid dehydrogenase deficiency. Last evaluated: 2025-08-14. Review status: criteria provided, single submitter. Criteria: Natera Variant Classification Schema (03/2026). Collection method: clinical testing. Allele origin: germline.
Comment: The c.280G>T variant in HSD3B2 is a nonsense variant predicted to introduce a stop codon at amino acid 94. This variant is expected to result in nonsense mediated decay, truncation, or a dysfunctional protein product. This variant is rare in the general population with a frequency below the threshold expected for the associated phenotype(s). Given the available evidence, this variant is classified as Likely Pathogenic.